The following is an entry in ClinVar:

NM_006734.4(HIVEP2):c.6676A>C (p.Ile2226Leu)

Gene: HIVEP2 (HIVEP zinc finger 2; minus strand). Cytogenetic location: 6q24.2.
Variant type: single nucleotide variant.
Coding change: c.6676A>C on transcript NM_006734.4 (MANE Select); coding-DNA position 6676, A replaced by C.
Protein change: p.Ile2226Leu; replaces isoleucine 2226 with leucine.
Molecular consequence: missense variant.
Genome position (GRCh38, 1-based): chr6:142,753,772, T>G on the plus strand (A>C on the coding strand, the complement: HIVEP2 is on the minus strand). VCF-style: chr6-142753772-T-G. GRCh37 (hg19) VCF-style: chr6-143074909-T-G.
Other names: short protein forms I2226L.
Identifiers: ClinVar variation 453142 (VCV000453142.6), dbSNP rs1554274447, ClinGen allele CA365941970.

ClinVar aggregate classification (germline): Uncertain significance. Review status: criteria provided, multiple submitters, no conflicts (2 of 4 stars). 2 submissions from 2 submitters: Uncertain significance (2). Last evaluated 2025-07-14.

gnomAD v4.1: 11 of 1,614,072 alleles (0.00068%); highest among the groups gnomAD compares: Non-Finnish European, 0.00076%; no homozygotes.

Submissions (2):

Labcorp Genetics (formerly Invitae), Labcorp
Classification: Uncertain significance. Last evaluated: 2025-07-14. Review status: criteria provided, single submitter. Criteria: Invitae Variant Classification Sherloc (09022015). Collection method: clinical testing. Allele origin: germline.
Comment: This sequence change replaces isoleucine, which is neutral and non-polar, with leucine, which is neutral and non-polar, at codon 2226 of the HIVEP2 protein (p.Ile2226Leu). This variant is not present in population databases (gnomAD no frequency). This variant has not been reported in the literature in individuals affected with HIVEP2-related conditions. ClinVar contains an entry for this variant (Variation ID: 453142). An algorithm developed to predict the effect of missense changes on protein structure and function (PolyPhen-2) suggests that this variant is likely to be tolerated. In summary, the available evidence is currently insufficient to determine the role of this variant in disease. Therefore, it has been classified as a Variant of Uncertain Significance.

GeneDx
Classification: Uncertain significance. Last evaluated: 2017-11-08. Review status: criteria provided, single submitter. Criteria: GeneDx Variant Classification (06012015). Collection method: clinical testing. Allele origin: germline. Affected: yes.
Comment: The I2226L variant has not been published as a pathogenic variant, nor has it been reported as a benign variant to our knowledge. The I2226L variant is not observed in large population cohorts (Lek et al., 2016). The I2226L variant is a conservative amino acid substitution, which is not likely to impact secondary protein structure as these residues share similar properties. In-silico analyses, including protein predictors and evolutionary conservation, support that this variant does not alter protein structure/function. Based on the currently available information, it is unclear whether this variant is a pathogenic variant or a rare benign variant.